The following is an entry in ClinVar:

NM_001793.6(CDH3):c.1105A>G (p.Met369Val)

Gene: CDH3 (cadherin 3; plus strand). Cytogenetic location: 16q22.1.
Variant type: single nucleotide variant.
Coding change: c.1105A>G on transcript NM_001793.6 (MANE Select); coding-DNA position 1105, A replaced by G.
Protein change: p.Met369Val; replaces methionine 369 with valine.
Molecular consequence: missense variant.
Genome position (GRCh38, 1-based): chr16:68,682,410, A>G. VCF-style: chr16-68682410-A-G. GRCh37 (hg19) VCF-style: chr16-68716313-A-G.
Other names: c.1105A>G (NM_001793.4, NM_001793.5); c.1105A>G, p.Met369Val (NM_001317195.3); c.940A>G, p.Met314Val (NM_001317196.2); short protein forms M314V, M369V.
Identifiers: ClinVar variation 1045002 (VCV001045002.10), dbSNP rs370398543, ClinGen allele CA8129256.

ClinVar aggregate classification (germline): Conflicting classifications of pathogenicity. Review status: criteria provided, conflicting classifications (1 of 4 stars). 4 submissions from 4 submitters: Uncertain significance (2); Likely benign (2). Last evaluated 2025-10-27.

Conditions:
CDH3-related disorder. Also called: CDH3-related condition.
Inborn genetic diseases. Identifiers: MedGen C0950123, MeSH D030342.

Allele frequency attached by ClinVar (database versions not stated): gnomAD 0.00004; gnomAD exomes 0.00005 and 0.00006; ExAC 0.00006; TOPMed 0.00008; ESP Exome Variant Server 0.00015.
gnomAD v4.1: 96 of 1,613,952 alleles (0.0059%); highest among the groups gnomAD compares: Non-Finnish European, 0.0067%; no homozygotes.

Submissions (4):

PreventionGenetics, part of Exact Sciences
Classification: Uncertain significance for CDH3-related condition. Last evaluated: 2025-10-27. Review status: criteria provided, single submitter. Criteria: ACMG Guidelines, 2015. Collection method: clinical testing. Allele origin: germline.
Comment: The CDH3 c.1105A>G variant is predicted to result in the amino acid substitution p.Met369Val. To our knowledge, this variant has not been reported in the literature. This variant is reported in 0.016% of alleles in individuals of European (Finnish) descent in gnomAD. At this time, the clinical significance of this variant is uncertain due to the absence of conclusive functional and genetic evidence.

Ambry Genetics
Classification: Likely benign for Inborn genetic diseases. Last evaluated: 2025-06-19. Review status: criteria provided, single submitter. Criteria: Ambry Variant Classification Scheme 2023. Collection method: clinical testing. Allele origin: germline.

Labcorp Genetics (formerly Invitae), Labcorp
Classification: Uncertain significance. Last evaluated: 2025-01-13. Review status: criteria provided, single submitter. Criteria: Invitae Variant Classification Sherloc (09022015). Collection method: clinical testing. Allele origin: germline.
Comment: This sequence change replaces methionine, which is neutral and non-polar, with valine, which is neutral and non-polar, at codon 369 of the CDH3 protein (p.Met369Val). This variant is present in population databases (rs370398543, gnomAD 0.02%). This variant has not been reported in the literature in individuals affected with CDH3-related conditions. ClinVar contains an entry for this variant (Variation ID: 1045002). Invitae Evidence Modeling of protein sequence and biophysical properties (such as structural, functional, and spatial information, amino acid conservation, physicochemical variation, residue mobility, and thermodynamic stability) indicates that this missense variant is not expected to disrupt CDH3 protein function with a negative predictive value of 80%. In summary, the available evidence is currently insufficient to determine the role of this variant in disease. Therefore, it has been classified as a Variant of Uncertain Significance.

Blueprint Genetics
Classification: Likely benign. Last evaluated: 2024-10-09. Review status: criteria provided, single submitter. Criteria: ACMG Guidelines, 2015. Collection method: clinical testing. Allele origin: germline.